The following is an entry in ClinVar:

ClinVar aggregate classification (germline): Uncertain significance (1 of 4 stars; one submission).

Conditions:
DYRK1A-related intellectual disability syndrome (MRD7). Also called: DYRK1A Syndrome; Intellectual developmental disorder, autosomal dominant 7. Identifiers: Orphanet 464306, MedGen C5568143, MONDO:0013578, OMIM 614104.

Submission:

3billion
Classification: Uncertain significance for DYRK1A-related intellectual disability syndrome. Last evaluated: 2024-07-11. Review status: criteria provided, single submitter. Criteria: ACMG Guidelines, 2015. Collection method: clinical testing. Allele origin: germline. Affected: yes.
Comment: The variant is not observed in the gnomAD v4.0.0 dataset. Predicted Consequence/Location: Missense variant In silico tool predictions suggest damaging effect of the variant on gene or gene product [REVEL: 0.80 (>=0.6, sensitivity 0.68 and specificity 0.92)]. In silico tools predict the variant to alter splicing and produce an abnormal transcript [SpliceAI: 0.31 (spliceogenicity >=0.2, non-spliceogenicity <0.1)]. Therefore, this variant is classified as VUS according to the recommendation of ACMG/AMP guideline.

NM_001347721.2(DYRK1A):c.683T>A (p.Val228Asp)

Gene: DYRK1A (dual specificity tyrosine phosphorylation regulated kinase 1A; plus strand). Cytogenetic location: 21q22.13.
Variant type: single nucleotide variant.
Coding change: c.683T>A on transcript NM_001347721.2 (MANE Select); coding-DNA position 683, T replaced by A.
Protein change: p.Val228Asp; replaces valine 228 with aspartic acid.
Molecular consequence: missense variant.
Genome position (GRCh38, 1-based): chr21:37,490,220, T>A. VCF-style: chr21-37490220-T-A. GRCh37 (hg19) VCF-style: chr21-38862522-T-A.
Other names: c.683T>A, p.Val228Asp (NM_001347722.2, NM_130436.2); c.596T>A, p.Val199Asp (NM_001347723.2); c.710T>A, p.Val237Asp (NM_001396.5, NM_101395.2, NM_130438.2); short protein forms V199D, V228D, V237D.
Identifiers: ClinVar variation 4292201 (VCV004292201.1).